The following is an entry in ClinVar:

NM_003079.5(SMARCE1):c.1173C>T (p.Ser391=)

Gene: SMARCE1 (SWI/SNF related BAF chromatin remodeling complex subunit E1; minus strand). Cytogenetic location: 17q21.2.
Variant type: single nucleotide variant.
Coding change: c.1173C>T on transcript NM_003079.5 (MANE Select); coding-DNA position 1173, C replaced by T.
Protein change: p.Ser391=; no amino-acid change (serine 391 retained).
Molecular consequence: synonymous variant.
Genome position (GRCh38, 1-based): chr17:40,628,848, G>A on the plus strand (C>T on the coding strand, the complement: SMARCE1 is on the minus strand). VCF-style: chr17-40628848-G-A. GRCh37 (hg19) VCF-style: chr17-38785100-G-A.
Identifiers: ClinVar variation 486513 (VCV000486513.19), dbSNP rs377096761, ClinGen allele CA8545049.

ClinVar aggregate classification (germline): Likely benign. Review status: criteria provided, multiple submitters, no conflicts (2 of 4 stars). 4 submissions from 4 submitters: Likely benign (3). 1 of the submissions does not count toward it. Last evaluated 2026-07-01.

Conditions:
SMARCE1-related disorder. Also called: SMARCE1-related condition.
Hereditary cancer-predisposing syndrome. Also called: Hereditary neoplastic syndrome; Tumor predisposition; Neoplastic Syndromes, Hereditary; Hereditary Cancer Syndrome. Identifiers: Orphanet 140162, MedGen C0027672, MeSH D009386, MONDO:0015356.
Familial meningioma. Also called: Meningioma, familial, susceptibility to. Identifiers: Orphanet 263662, MedGen C3551915, MONDO:0011789, OMIM 607174.

Allele frequency attached by ClinVar (database versions not stated): ExAC 0.00002; gnomAD exomes 0.00002 and 0.00006; gnomAD 0.00004; TOPMed 0.00005; ESP Exome Variant Server 0.00008.
gnomAD v4.1: 87 of 1,613,528 alleles (0.0054%); highest among the groups gnomAD compares: Non-Finnish European, 0.0073%; no homozygotes.

Submissions (4):

CeGaT Center for Human Genetics Tuebingen
Classification: Likely benign. Last evaluated: 2026-07-01. Review status: criteria provided, single submitter. Criteria: CeGaT Center For Human Genetics Tuebingen Variant Classification Criteria Version 2. Collection method: clinical testing. Allele origin: germline. Affected: yes. Observed: 1 variant allele.
Comment: SMARCE1: BP4, BP7

Labcorp Genetics (formerly Invitae), Labcorp
Classification: Likely benign for Familial meningioma. Last evaluated: 2025-11-13. Review status: criteria provided, single submitter. Criteria: Invitae Variant Classification Sherloc (09022015). Collection method: clinical testing. Allele origin: germline.

Ambry Genetics
Classification: Likely benign for Hereditary cancer-predisposing syndrome. Last evaluated: 2017-07-11. Review status: criteria provided, single submitter. Criteria: Ambry Variant Classification Scheme 2023. Collection method: clinical testing. Allele origin: germline.

PreventionGenetics, part of Exact Sciences
Classification: Likely benign for SMARCE1-related condition. Last evaluated: 2022-01-21. Review status: no assertion criteria provided. Collection method: clinical testing. Allele origin: germline. Not counted in ClinVar's aggregate classification.
Comment: This variant is classified as likely benign based on ACMG/AMP sequence variant interpretation guidelines (Richards et al. 2015 PMID: 25741868, with internal and published modifications).